The following is an entry in ClinVar:

NM_001371596.2(MFSD8):c.553+3A>G

Gene: MFSD8 (major facilitator superfamily domain containing 8; minus strand). Cytogenetic location: 4q28.2.
Variant type: single nucleotide variant.
Coding change: c.553+3A>G on transcript NM_001371596.2 (MANE Select); 3 bases into the intron after coding-DNA position 553, A replaced by G.
Molecular consequence: intron variant. On other transcripts: missense variant (1).
Genome position (GRCh38, 1-based): chr4:127,942,042, T>C on the plus strand (A>G on the coding strand, the complement: MFSD8 is on the minus strand). VCF-style: chr4-127942042-T-C. GRCh37 (hg19) VCF-style: chr4-128863197-T-C.
Other names: c.556A>G, p.Arg186Gly (NM_001371592.2); c.418+3A>G (NM_001371595.1, NM_001371590.2); c.304+1710A>G (NM_001410765.1); c.553+3A>G (NM_152778.4, NM_001363520.3, NM_001371594.2 and 1 more transcripts); c.439+1710A>G (NM_001363521.3, NM_001410766.1, NM_001371593.2); short protein forms R186G.
Identifiers: ClinVar variation 1960915 (VCV001960915.2), dbSNP rs1026854093, ClinGen allele CA105685526.

ClinVar aggregate classification (germline): Uncertain significance (1 of 4 stars; one submission).

Conditions:
Neuronal ceroid lipofuscinosis 7 (CLN7). Also called: MFSD8-Related Neuronal Ceroid-Lipofuscinosis. Identifiers: Orphanet 168491, Orphanet 228366, MedGen C1838571, MONDO:0012588, OMIM 610951.

Allele frequency attached by ClinVar (database versions not stated): TOPMed below 0.00001.

Submission:

Labcorp Genetics (formerly Invitae), Labcorp
Classification: Uncertain significance for Neuronal ceroid lipofuscinosis 7. Last evaluated: 2022-03-01. Review status: criteria provided, single submitter. Criteria: Invitae Variant Classification Sherloc (09022015). Collection method: clinical testing. Allele origin: germline.
Comment: This sequence change falls in intron 6 of the MFSD8 gene. It does not directly change the encoded amino acid sequence of the MFSD8 protein. It affects a nucleotide within the consensus splice site. This variant is not present in population databases (gnomAD no frequency). This variant has not been reported in the literature in individuals affected with MFSD8-related conditions. Variants that disrupt the consensus splice site are a relatively common cause of aberrant splicing (PMID: 17576681, 9536098). Algorithms developed to predict the effect of sequence changes on RNA splicing suggest that this variant may disrupt the consensus splice site. In summary, the available evidence is currently insufficient to determine the role of this variant in disease. Therefore, it has been classified as a Variant of Uncertain Significance.

Literature cited by the submitters: PubMed 17576681; PubMed 9536098.